The following is an entry in ClinVar:

NM_033310.3(KCNK4):c.193G>A (p.Val65Met)

Genes: KCNK4 (potassium two pore domain channel subfamily K member 4; plus strand), KCNK4-CATSPERZ (KCNK4-CATSPERZ readthrough (NMD candidate); plus strand). Cytogenetic location: 11q13.1.
Variant type: single nucleotide variant.
Coding change: c.193G>A on transcript NM_033310.3 (MANE Select); coding-DNA position 193, G replaced by A.
Protein change: p.Val65Met; replaces valine 65 with methionine.
Molecular consequence: missense variant. On other transcripts: non-coding transcript variant (3).
Genome position (GRCh38, 1-based): chr11:64,296,881, G>A. VCF-style: chr11-64296881-G-A. GRCh37 (hg19) VCF-style: chr11-64064353-G-A.
Other names: c.193G>A, p.Val65Met (NM_001317090.2, NM_033311.1); short protein forms V65M.
Identifiers: ClinVar variation 2630997 (VCV002630997.1), dbSNP rs2495686059, ClinGen allele CA381161512.

ClinVar aggregate classification (germline): Uncertain significance (1 of 4 stars; one submission).

Conditions:
KCNK4-related disorder. Also called: KCNK4-related condition.

Allele frequency attached by ClinVar (database versions not stated): gnomAD exomes below 0.00001.
gnomAD v4.1: 2 of 1,510,002 alleles (0.00013%); highest among the groups gnomAD compares: Non-Finnish European, 0.00018%; no homozygotes.

Submission:

PreventionGenetics, part of Exact Sciences
Classification: Uncertain significance for KCNK4-related condition. Last evaluated: 2023-10-04. Review status: criteria provided, single submitter. Criteria: ACMG Guidelines, 2015. Collection method: clinical testing. Allele origin: germline.
Comment: The KCNK4 c.193G>A variant is predicted to result in the amino acid substitution p.Val65Met. To our knowledge, this variant has not been reported in the literature or in a large population database, indicating this variant is rare. At this time, the clinical significance of this variant is uncertain due to the absence of conclusive functional and genetic evidence.